The following is an entry in ClinVar:

NM_002047.4(GARS1):c.1614-271A>G

Gene: GARS1 (glycyl-tRNA synthetase 1; plus strand). Cytogenetic location: 7p14.3.
Variant type: single nucleotide variant.
Coding change: c.1614-271A>G on transcript NM_002047.4 (MANE Select); 271 bases into the intron before coding-DNA position 1614, A replaced by G.
Molecular consequence: intron variant.
Genome position (GRCh38, 1-based): chr7:30,625,963, A>G. VCF-style: chr7-30625963-A-G. GRCh37 (hg19) VCF-style: chr7-30665579-A-G.
Other names: c.1452-271A>G (NM_001316772.1).
Identifiers: ClinVar variation 672768 (VCV000672768.1), dbSNP rs118095447, ClinGen allele CA15510336.
Genomic context (GRCh38, chr7:30,625,963, plus strand): 5'-TATTATTCTAAAACTGAATTTTCAAAAAGTTGTTTTTGGTTTTACCTTGATTCAAAACCA[A>G]AGGAATTTGTCATTAAGTCACTTGTGGAGTTTTATAAAACTAGTCAAAATTTGGTGTATG-3'

ClinVar aggregate classification (germline): Benign (1 of 4 stars; one submission).

Allele frequency attached by ClinVar (database versions not stated): gnomAD 0.02712 and 0.02734; 1000 Genomes Project 0.02037; TOPMed 0.02218; 1000 Genomes Project 30x 0.01921.
gnomAD v4.1: 4,193 of 152,316 alleles (2.8%); highest among the groups gnomAD compares: South Asian, 5%; 88 homozygotes.

Submission:

GeneDx
Classification: Benign. Last evaluated: 2018-06-14. Review status: criteria provided, single submitter. Criteria: GeneDx Variant Classification (06012015). Collection method: clinical testing. Allele origin: germline. Affected: yes.
Comment: This variant is considered likely benign or benign based on one or more of the following criteria: it is a conservative change, it occurs at a poorly conserved position in the protein, it is predicted to be benign by multiple in silico algorithms, and/or has population frequency not consistent with disease.